The following is an entry in ClinVar:

ClinVar aggregate classification (germline): Uncertain significance. Review status: criteria provided, multiple submitters, no conflicts (2 of 4 stars). 2 submissions from 2 submitters: Uncertain significance (2). Last evaluated 2026-04-01.

Conditions:
Long QT syndrome (LQTS). Identifiers: MedGen C0023976, MeSH D008133, MONDO:0002442. Disease mechanism: loss of function. Inheritance: Various modes of inheritance.

Allele frequency attached by ClinVar (database versions not stated): TOPMed below 0.00001.
gnomAD v4.1: 4 of 1,614,036 alleles (0.00025%); highest among the groups gnomAD compares: Non-Finnish European, 0.00034%; no homozygotes.

Submissions (2):

CeGaT Center for Human Genetics Tuebingen
Classification: Uncertain significance. Last evaluated: 2026-04-01. Review status: criteria provided, single submitter. Criteria: CeGaT Center For Human Genetics Tuebingen Variant Classification Criteria Version 2. Collection method: clinical testing. Allele origin: germline. Affected: yes. Observed: 1 variant allele.
Comment: CACNA1C: PP2

Labcorp Genetics (formerly Invitae), Labcorp
Classification: Uncertain significance for Long QT syndrome. Last evaluated: 2023-04-08. Review status: criteria provided, single submitter. Criteria: Invitae Variant Classification Sherloc (09022015). Collection method: clinical testing. Allele origin: germline.
Comment: In summary, the available evidence is currently insufficient to determine the role of this variant in disease. Therefore, it has been classified as a Variant of Uncertain Significance. Advanced modeling of protein sequence and biophysical properties (such as structural, functional, and spatial information, amino acid conservation, physicochemical variation, residue mobility, and thermodynamic stability) has been performed at Invitae for this missense variant, however the output from this modeling did not meet the statistical confidence thresholds required to predict the impact of this variant on CACNA1C protein function. This variant has not been reported in the literature in individuals affected with CACNA1C-related conditions. This variant is not present in population databases (gnomAD no frequency). This sequence change replaces proline, which is neutral and non-polar, with histidine, which is basic and polar, at codon 1088 of the CACNA1C protein (p.Pro1088His).

NM_000719.7(CACNA1C):c.3263C>A (p.Pro1088His)

Gene: CACNA1C (calcium voltage-gated channel subunit alpha1 C; plus strand). Cytogenetic location: 12p13.33.
Variant type: single nucleotide variant.
Coding change: c.3263C>A on transcript NM_000719.7 (MANE Select); coding-DNA position 3263, C replaced by A.
Protein change: p.Pro1088His; replaces proline 1088 with histidine.
Molecular consequence: missense variant.
Genome position (GRCh38, 1-based): chr12:2,607,037, C>A. VCF-style: chr12-2607037-C-A. GRCh37 (hg19) VCF-style: chr12-2716203-C-A.
Other names: c.3263C>A, p.Pro1088His (NM_001129833.2, NM_001129834.2, NM_001129835.2 and 15 more transcripts); c.3323C>A, p.Pro1108His (NM_001129827.2, NM_001129832.2, NM_199460.4); c.3254C>A, p.Pro1085His (NM_001129844.2); short protein forms P1085H, P1108H, P1088H.
Identifiers: ClinVar variation 2993399 (VCV002993399.5), dbSNP rs2075700132, ClinGen allele CA383374805.